The following is an entry in ClinVar:

NM_001365951.3(KIF1B):c.197G>C (p.Cys66Ser)

Gene: KIF1B (kinesin family member 1B; plus strand). Cytogenetic location: 1p36.22.
Variant type: single nucleotide variant.
Coding change: c.197G>C on transcript NM_001365951.3 (MANE Select); coding-DNA position 197, G replaced by C.
Protein change: p.Cys66Ser; replaces cysteine 66 with serine.
Molecular consequence: missense variant.
Genome position (GRCh38, 1-based): chr1:10,258,506, G>C. VCF-style: chr1-10258506-G-C. GRCh37 (hg19) VCF-style: chr1-10318564-G-C.
Other names: c.197G>C, p.Cys66Ser (NM_001365952.1, NM_001365953.1, NM_015074.3 and 1 more transcripts); short protein forms C66S.
Identifiers: ClinVar variation 2625743 (VCV002625743.2), dbSNP rs2523465156, ClinGen allele CA338324658.

ClinVar aggregate classification (germline): Uncertain significance (1 of 4 stars; one submission).

Submission:

Ambry Genetics
Classification: Uncertain significance. Last evaluated: 2023-08-31. Review status: criteria provided, single submitter. Criteria: Ambry Variant Classification Scheme 2023. Collection method: clinical testing. Allele origin: germline.
Comment: The p.C66S variant (also known as c.197G>C), located in coding exon 3 of the KIF1B gene, results from a G to C substitution at nucleotide position 197. The cysteine at codon 66 is replaced by serine, an amino acid with dissimilar properties. This amino acid position is conserved. In addition, this alteration is predicted to be tolerated by in silico analysis. Since supporting evidence is limited at this time, the clinical significance of this alteration remains unclear.